The following is an entry in ClinVar:

NM_052936.5(ATG4A):c.1126+48G>A

Gene: ATG4A (autophagy related 4A cysteine peptidase; plus strand). Cytogenetic location: Xq22.3.
Variant type: single nucleotide variant.
Coding change: c.1126+48G>A on transcript NM_052936.5 (MANE Select); 48 bases into the intron after coding-DNA position 1126, G replaced by A.
Molecular consequence: intron variant.
Genome position (GRCh38, 1-based): chrX:108,153,135, G>A. VCF-style: chrX-108153135-G-A. GRCh37 (hg19) VCF-style: chrX-107396365-G-A.
Other names: c.895+48G>A (NM_001321287.2, NM_001321288.2, NM_178271.3); c.610+48G>A (NM_001321290.2); c.709+48G>A (NM_001321289.2); c.940+48G>A (NM_178270.4).
Identifiers: ClinVar variation 2688198 (VCV002688198.2), dbSNP rs1883411, ClinGen allele CA10487041.
Genomic context (GRCh38, chrX:108,153,135, plus strand): 5'-ACCACTGGGGCAGGTAAGCTGTTGTTCAATGGCTCTCAGCTAGCAGACCCACATATAGCA[G>A]TTGTTTTATGAGAAAGAAGAATTGTGGCCCATGCTTTCTGTGGACAGTAAAATTTCTACT-3'

ClinVar aggregate classification (germline): Benign (1 of 4 stars; one submission).

Allele frequency attached by ClinVar (database versions not stated): 1000 Genomes Project 0.38993; 1000 Genomes Project 30x 0.39272; ExAC 0.44067; gnomAD exomes 0.44919; TOPMed 0.48128; gnomAD 0.49691; ESP Exome Variant Server 0.54521.
gnomAD v4.1: 412,189 of 906,757 alleles (45%); highest among the groups gnomAD compares: African/African-American, 68%; 71,456 homozygotes.

Submission:

Unidad de Genómica Garrahan, Hospital de Pediatría Garrahan
Classification: Benign. Last evaluated: 2024-01-24. Review status: criteria provided, single submitter. Criteria: ACMG Guidelines, 2015. Collection method: clinical testing. Allele origin: germline. Affected: no. Observed: 35 variant alleles.
Comment: This variant is classified as Benign based on local population frequency. This variant was detected in 37% of patients studied by a panel of primary immunodeficiencies. Number of patients: 35. Only high quality variants are reported.